The following is an entry in ClinVar:

ClinVar aggregate classification (germline): Uncertain significance (1 of 4 stars; one submission).

Conditions:
Immunodeficiency 106, susceptibility to viral infections (IMD106). Also called: IFNAR1 DEFICIENCY. Identifiers: MedGen C5677009, MONDO:0030970, OMIM 619935.

gnomAD v4.1: 2 of 1,610,430 alleles (0.00012%); highest among the groups gnomAD compares: Non-Finnish European, 0.000085%; no homozygotes.

Submission:

3billion
Classification: Uncertain significance for Immunodeficiency 106, susceptibility to viral infections. Last evaluated: 2026-01-12. Review status: criteria provided, single submitter. Criteria: ACMG Guidelines, 2015. Collection method: clinical testing. Allele origin: germline. Affected: yes.
Comment: The variant is observed at an extremely low frequency in the gnomAD v4.1.0 dataset (total allele frequency: <0.001%). Predicted Consequence/Location: Synonymous variant In silico tools predict the variant to alter splicing and produce an abnormal transcript [SpliceAI: 0.55 (>=0.2, moderate evidence for spliceogenicity)]. Therefore, this variant is classified as VUS according to the recommendation of ACMG/AMP guideline.

NM_000629.3(IFNAR1):c.381G>A (p.Gln127=)

Gene: IFNAR1 (interferon alpha and beta receptor subunit 1; plus strand). Cytogenetic location: 21q22.11.
Variant type: single nucleotide variant.
Coding change: c.381G>A on transcript NM_000629.3 (MANE Select); coding-DNA position 381, G replaced by A.
Protein change: p.Gln127=; no amino-acid change (glutamine 127 retained).
Molecular consequence: synonymous variant. On other transcripts: 5 prime UTR variant (2).
Genome position (GRCh38, 1-based): chr21:33,343,272, G>A. VCF-style: chr21-33343272-G-A. GRCh37 (hg19) VCF-style: chr21-34715578-G-A.
Other names: c.381G>A, p.Gln127= (NM_001384498.1, NM_001384499.1, NM_001384501.1 and 1 more transcripts); c.-406G>A (NM_001384500.1); c.-82G>A (NM_001384502.1); c.174G>A, p.Gln58= (NM_001384504.1).
Identifiers: ClinVar variation 4855846 (VCV004855846.1).